The following is an entry in ClinVar:

ClinVar aggregate classification (germline): Uncertain significance (1 of 4 stars; one submission).

Allele frequency attached by ClinVar (database versions not stated): gnomAD exomes 0.00004; gnomAD 0.00005; ExAC 0.00006; TOPMed 0.00006; ESP Exome Variant Server 0.00017.
gnomAD v4.1: 52 of 1,575,394 alleles (0.0033%); highest among the groups gnomAD compares: Middle Eastern, 0.05%; 1 homozygote.

Submission:

Labcorp Genetics (formerly Invitae), Labcorp
Classification: Uncertain significance. Last evaluated: 2022-07-03. Review status: criteria provided, single submitter. Criteria: Invitae Variant Classification Sherloc (09022015). Collection method: clinical testing. Allele origin: germline.
Comment: This sequence change replaces aspartic acid, which is acidic and polar, with asparagine, which is neutral and polar, at codon 4685 of the PCLO protein (p.Asp4685Asn). This variant is present in population databases (rs369280378, gnomAD 0.01%). This variant has not been reported in the literature in individuals affected with PCLO-related conditions. ClinVar contains an entry for this variant (Variation ID: 1364940). Algorithms developed to predict the effect of missense changes on protein structure and function are either unavailable or do not agree on the potential impact of this missense change (SIFT: "Deleterious"; PolyPhen-2: "Not Available"; Align-GVGD: "Class C0"). In summary, the available evidence is currently insufficient to determine the role of this variant in disease. Therefore, it has been classified as a Variant of Uncertain Significance.

NM_033026.6(PCLO):c.14053G>A (p.Asp4685Asn)

Gene: PCLO (piccolo presynaptic cytomatrix protein; minus strand). Cytogenetic location: 7q21.11.
Variant type: single nucleotide variant.
Coding change: c.14053G>A on transcript NM_033026.6 (MANE Select); coding-DNA position 14053, G replaced by A.
Protein change: p.Asp4685Asn; replaces aspartic acid 4685 with asparagine.
Molecular consequence: missense variant.
Genome position (GRCh38, 1-based): chr7:82,841,503, C>T on the plus strand (G>A on the coding strand, the complement: PCLO is on the minus strand). VCF-style: chr7-82841503-C-T. GRCh37 (hg19) VCF-style: chr7-82470819-C-T.
Other names: c.14053G>A, p.Asp4685Asn (NM_014510.3); short protein forms D4685N.
Identifiers: ClinVar variation 1364940 (VCV001364940.3), dbSNP rs369280378, ClinGen allele CA4318940.
Genomic context (GRCh38, chr7:82,841,503, plus strand): 5'-TTAAAAAACTTCATACCTGAATTTCTCCTGTAATTGGATGAGAGACAACCTTTGTTCCAT[C>T]GGTAGGCTGTAATATTAAAGAACATATATTACATTAATAGATACATTTTTCACATAATTT-3'
Protein context (NP_149015.2, residues 4675-4695): KKKHGSSKPT[Asp4685Asn]GTKVVSHPIT